The following is an entry in ClinVar:

ClinVar aggregate classification (germline): Benign. Review status: criteria provided, multiple submitters, no conflicts (2 of 4 stars). 2 submissions from 2 submitters: Benign (2). Last evaluated 2019-01-18.

Allele frequency attached by ClinVar (database versions not stated): ESP Exome Variant Server 0.04063; gnomAD 0.04933 and 0.05081; TOPMed 0.05052; 1000 Genomes Project 0.05112; 1000 Genomes Project 30x 0.05512; gnomAD exomes 0.05595 and 0.06296; ExAC 0.07232.

Submissions (2):

GeneDx
Classification: Benign. Last evaluated: 2019-01-18. Review status: criteria provided, single submitter. Criteria: GeneDx Variant Classification Process June 2021. Collection method: clinical testing. Allele origin: germline. Affected: yes.
Comment: This variant is associated with the following publications: (PMID: 30001348)

Breakthrough Genomics
Classification: Benign. Review status: criteria provided, single submitter. Criteria: ACMG Guidelines, 2015. Collection method: not provided. Allele origin: germline. Inheritance: Unknown mechanism. Affected: yes.

NM_130385.4(IRAG1):c.583C>T (p.Pro195Ser)

Gene: IRAG1 (inositol 1,4,5-triphosphate receptor associated 1; minus strand). Cytogenetic location: 11p15.4.
Variant type: single nucleotide variant.
Coding change: c.583C>T on transcript NM_130385.4 (MANE Select); coding-DNA position 583, C replaced by T.
Protein change: p.Pro195Ser; replaces proline 195 with serine.
Molecular consequence: missense variant. On other transcripts: 5 prime UTR variant (2).
Genome position (GRCh38, 1-based): chr11:10,628,820, G>A on the plus strand (C>T on the coding strand, the complement: IRAG1 is on the minus strand). VCF-style: chr11-10628820-G-A. GRCh37 (hg19) VCF-style: chr11-10650367-G-A.
Other names: c.556C>T, p.Pro186Ser (NM_001098579.3); c.310C>T, p.Pro104Ser (NM_001100163.3); c.-366C>T (NM_001100167.3); c.583C>T, p.Pro195Ser (NM_001206880.2); c.-310C>T (NM_001206881.2); short protein forms P104S, P186S, P195S.
Identifiers: ClinVar variation 1227222 (VCV001227222.4), dbSNP rs35857561, ClinGen allele CA5884497.